The following is an entry in ClinVar:

NM_003500.4(ACOX2):c.1186A>G (p.Met396Val)

Gene: ACOX2 (acyl-CoA oxidase 2; minus strand). Cytogenetic location: 3p14.3.
Variant type: single nucleotide variant.
Coding change: c.1186A>G on transcript NM_003500.4 (MANE Select); coding-DNA position 1186, A replaced by G.
Protein change: p.Met396Val; replaces methionine 396 with valine.
Molecular consequence: missense variant.
Genome position (GRCh38, 1-based): chr3:58,526,626, T>C on the plus strand (A>G on the coding strand, the complement: ACOX2 is on the minus strand). VCF-style: chr3-58526626-T-C. GRCh37 (hg19) VCF-style: chr3-58512353-T-C.
Other names: short protein forms M396V.
Identifiers: ClinVar variation 736750 (VCV000736750.9), dbSNP rs200815295, ClinGen allele CA2472130.

ClinVar aggregate classification (germline): Likely benign. Review status: criteria provided, single submitter (1 of 4 stars). 2 submissions from 2 submitters: Likely benign (1). 1 of the submissions does not count toward it. Last evaluated 2026-01-26.

Conditions:
ACOX2-related disorder. Also called: ACOX2-related condition.

Allele frequency attached by ClinVar (database versions not stated): gnomAD 0.00012 and 0.00013; gnomAD exomes 0.00013 and 0.00062; TOPMed 0.00034; ExAC 0.00052.
gnomAD v4.1: 201 of 1,614,174 alleles (0.012%); highest among the groups gnomAD compares: Admixed American, 0.33%; no homozygotes.

Submissions (2):

Labcorp Genetics (formerly Invitae), Labcorp
Classification: Likely benign. Last evaluated: 2026-01-26. Review status: criteria provided, single submitter. Criteria: Invitae Variant Classification Sherloc (09022015). Collection method: clinical testing. Allele origin: germline.

PreventionGenetics, part of Exact Sciences
Classification: Likely benign for ACOX2-related condition. Last evaluated: 2022-12-05. Review status: no assertion criteria provided. Collection method: clinical testing. Allele origin: germline. Not counted in ClinVar's aggregate classification.
Comment: This variant is classified as likely benign based on ACMG/AMP sequence variant interpretation guidelines (Richards et al. 2015 PMID: 25741868, with internal and published modifications).